The following is an entry in ClinVar:

ClinVar aggregate classification (germline): Benign/Likely benign. Review status: criteria provided, multiple submitters, no conflicts (2 of 4 stars). 3 submissions from 3 submitters: Benign (2); Likely benign (1). Last evaluated 2025-12-17.

Submissions (3):

Mayo Clinic Laboratories, Mayo Clinic
Classification: Likely benign. Last evaluated: 2025-12-17. Review status: criteria provided, single submitter. Criteria: ACMG Guidelines, 2015. Collection method: clinical testing. Allele origin: germline. Observed: 28 variant alleles.
Comment: BS2, BP4, BP7

Eurofins Ntd Llc (ga)
Classification: Benign. Last evaluated: 2014-12-23. Review status: criteria provided, single submitter. Criteria: EGL Classification Definitions 2015. Collection method: clinical testing. Allele origin: germline. Observed: 1 variant allele, 1 heterozygote.

PreventionGenetics, part of Exact Sciences
Classification: Benign. Review status: criteria provided, single submitter. Criteria: ACMG Guidelines, 2015. Collection method: clinical testing. Allele origin: germline.

NM_006363.6(SEC23B):c.*9_*10del

Gene: SEC23B (SEC23 homolog B, COPII component; plus strand). Cytogenetic location: 20p11.23.
Variant type: Deletion.
Coding change: c.*9_*10del on transcript NM_006363.6 (MANE Select); 9 bases downstream of the stop codon through 10 bases downstream of the stop codon, 2 bases deleted (TA; older notation c.*9_*10delTA).
Molecular consequence: 3 prime UTR variant.
Genome position (GRCh38, 1-based): chr20:18,560,749-18,560,750, TA deleted; deleting any 2 consecutive bases within chr20:18,560,748-18,560,750 gives the same sequence; the c. name uses the placement nearest the transcript's 3' end. VCF-style (leftmost placement, unchanged base first): chr20-18560747-GAT-G. GRCh37 (hg19) VCF-style: chr20-18541391-GAT-G.
Other names: c.*9_*10del (NM_001172745.3, NM_001172746.3, NM_032985.6 and 1 more transcripts).
Identifiers: ClinVar variation 195501 (VCV000195501.11), dbSNP rs142180765, ClinGen allele CA201791.